The following is an entry in ClinVar:

NM_003797.5(EED):c.532A>G (p.Ile178Val)

Gene: EED (embryonic ectoderm development; plus strand). Cytogenetic location: 11q14.2.
Variant type: single nucleotide variant.
Coding change: c.532A>G on transcript NM_003797.5 (MANE Select); coding-DNA position 532, A replaced by G.
Protein change: p.Ile178Val; replaces isoleucine 178 with valine.
Molecular consequence: missense variant.
Genome position (GRCh38, 1-based): chr11:86,256,492, A>G. VCF-style: chr11-86256492-A-G. GRCh37 (hg19) VCF-style: chr11-85967534-A-G.
Other names: c.532A>G, p.Ile178Val (NM_001308007.2, NM_001330334.2); short protein forms I178V.
Identifiers: ClinVar variation 971694 (VCV000971694.13), dbSNP rs147440081, ClinGen allele CA6216434.

ClinVar aggregate classification (germline): Conflicting classifications of pathogenicity. Review status: criteria provided, conflicting classifications (1 of 4 stars). 4 submissions from 4 submitters: Uncertain significance (2); Likely benign (1). 1 of the submissions does not count toward it. Last evaluated 2024-11-11.

Conditions:
Cohen-Gibson syndrome (COGIS). Also called: EED-Related Overgrowth. Identifiers: Orphanet 659396, MedGen C4479654, MONDO:0060510, OMIM 617561.
EED-related disorder. Also called: EED-related condition.

Allele frequency attached by ClinVar (database versions not stated): ExAC 0.00031; ESP Exome Variant Server 0.00031; gnomAD exomes 0.00032 and 0.00071; gnomAD 0.00040 and 0.00041; TOPMed 0.00052.
gnomAD v4.1: 1,075 of 1,610,186 alleles (0.067%); highest among the groups gnomAD compares: Non-Finnish European, 0.086%; no homozygotes.

Submissions (4):

Blueprint Genetics
Classification: Likely benign. Last evaluated: 2024-11-11. Review status: criteria provided, single submitter. Criteria: ACMG Guidelines, 2015. Collection method: clinical testing. Allele origin: germline.

Labcorp Genetics (formerly Invitae), Labcorp
Classification: Uncertain significance for Cohen-Gibson syndrome. Last evaluated: 2024-08-23. Review status: criteria provided, single submitter. Criteria: Invitae Variant Classification Sherloc (09022015). Collection method: clinical testing. Allele origin: germline.
Comment: This sequence change replaces isoleucine, which is neutral and non-polar, with valine, which is neutral and non-polar, at codon 178 of the EED protein (p.Ile178Val). This variant is present in population databases (rs147440081, gnomAD 0.06%), and has an allele count higher than expected for a pathogenic variant. This variant has not been reported in the literature in individuals affected with EED-related conditions. ClinVar contains an entry for this variant (Variation ID: 971694). Invitae Evidence Modeling of protein sequence and biophysical properties (such as structural, functional, and spatial information, amino acid conservation, physicochemical variation, residue mobility, and thermodynamic stability) indicates that this missense variant is not expected to disrupt EED protein function with a negative predictive value of 80%. In summary, the available evidence is currently insufficient to determine the role of this variant in disease. Therefore, it has been classified as a Variant of Uncertain Significance.

Breakthrough Genomics
Classification: Uncertain significance. Review status: criteria provided, single submitter. Criteria: ACMG Guidelines, 2015. Collection method: not provided. Allele origin: germline. Inheritance: Autosomal dominant inheritance. Affected: yes.

PreventionGenetics, part of Exact Sciences
Classification: Benign for EED-related condition. Last evaluated: 2024-05-04. Review status: no assertion criteria provided. Collection method: clinical testing. Allele origin: germline. Not counted in ClinVar's aggregate classification.
Comment: This variant is classified as benign based on ACMG/AMP sequence variant interpretation guidelines (Richards et al. 2015 PMID: 25741868, with internal and published modifications).